The following is an entry in ClinVar:

NM_152703.5(SAMD9L):c.958T>C (p.Tyr320His)

Gene: SAMD9L (sterile alpha motif domain containing 9 like; minus strand). Cytogenetic location: 7q21.2.
Variant type: single nucleotide variant.
Coding change: c.958T>C on transcript NM_152703.5 (MANE Select); coding-DNA position 958, T replaced by C.
Protein change: p.Tyr320His; replaces tyrosine 320 with histidine.
Molecular consequence: missense variant.
Genome position (GRCh38, 1-based): chr7:93,135,014, A>G on the plus strand (T>C on the coding strand, the complement: SAMD9L is on the minus strand). VCF-style: chr7-93135014-A-G. GRCh37 (hg19) VCF-style: chr7-92764327-A-G.
Other names: c.958T>C, p.Tyr320His (NM_001303498.3, NM_001303500.3, NM_001350082.2 and 5 more transcripts); short protein forms Y320H.
Identifiers: ClinVar variation 2752386 (VCV002752386.3), dbSNP rs2535432677, ClinGen allele CA368199669.

ClinVar aggregate classification (germline): Uncertain significance (1 of 4 stars; one submission).

Submission:

Labcorp Genetics (formerly Invitae), Labcorp
Classification: Uncertain significance. Last evaluated: 2023-08-14. Review status: criteria provided, single submitter. Criteria: Invitae Variant Classification Sherloc (09022015). Collection method: clinical testing. Allele origin: germline.
Comment: This sequence change replaces tyrosine, which is neutral and polar, with histidine, which is basic and polar, at codon 320 of the SAMD9L protein (p.Tyr320His). This variant is not present in population databases (gnomAD no frequency). This variant has not been reported in the literature in individuals affected with SAMD9L-related conditions. An algorithm developed to predict the effect of missense changes on protein structure and function (PolyPhen-2) suggests that this variant is likely to be tolerated. In summary, the available evidence is currently insufficient to determine the role of this variant in disease. Therefore, it has been classified as a Variant of Uncertain Significance.